The following is an entry in ClinVar:

NM_014391.3(ANKRD1):c.154C>T (p.Pro52Ser)

Gene: ANKRD1 (ankyrin repeat domain 1; minus strand). Cytogenetic location: 10q23.31.
Variant type: single nucleotide variant.
Coding change: c.154C>T on transcript NM_014391.3 (MANE Select); coding-DNA position 154, C replaced by T.
Protein change: p.Pro52Ser; replaces proline 52 with serine.
Molecular consequence: missense variant.
Genome position (GRCh38, 1-based): chr10:90,920,222, G>A on the plus strand (C>T on the coding strand, the complement: ANKRD1 is on the minus strand). VCF-style: chr10-90920222-G-A. GRCh37 (hg19) VCF-style: chr10-92679979-G-A.
Other names: short protein forms P52S.
Identifiers: ClinVar variation 45626 (VCV000045626.9), dbSNP rs397517248, ClinGen allele CA136823.

ClinVar aggregate classification (germline): Conflicting classifications of pathogenicity. Review status: criteria provided, conflicting classifications (1 of 4 stars). 3 submissions from 3 submitters: Uncertain significance (2); Likely benign (1). Last evaluated 2024-02-06.

Conditions:
Cardiovascular phenotype. Identifiers: MedGen CN230736.
ANKRD1-related dilated cardiomyopathy. Identifiers: MedGen CN119551.

gnomAD v4.1: 11 of 1,613,900 alleles (0.00068%); highest among the groups gnomAD compares: Admixed American, 0.0017%; no homozygotes.

Submissions (3):

Labcorp Genetics (formerly Invitae), Labcorp
Classification: Uncertain significance for ANKRD1-related dilated cardiomyopathy. Last evaluated: 2024-02-06. Review status: criteria provided, single submitter. Criteria: Invitae Variant Classification Sherloc (09022015). Collection method: clinical testing. Allele origin: germline.
Comment: This sequence change replaces proline, which is neutral and non-polar, with serine, which is neutral and polar, at codon 52 of the ANKRD1 protein (p.Pro52Ser). This variant is present in population databases (rs397517248, gnomAD 0.003%). This variant has not been reported in the literature in individuals affected with ANKRD1-related conditions. ClinVar contains an entry for this variant (Variation ID: 45626). Algorithms developed to predict the effect of missense changes on protein structure and function output the following: SIFT: "Not Available"; PolyPhen-2: "Benign"; Align-GVGD: "Not Available". The serine amino acid residue is found in multiple mammalian species, which suggests that this missense change does not adversely affect protein function. In summary, the available evidence is currently insufficient to determine the role of this variant in disease. Therefore, it has been classified as a Variant of Uncertain Significance.

Ambry Genetics
Classification: Uncertain significance for Cardiovascular phenotype. Last evaluated: 2020-08-20. Review status: criteria provided, single submitter. Criteria: Ambry Variant Classification Scheme 2023. Collection method: clinical testing. Allele origin: germline.
Comment: The p.P52S variant (also known as c.154C>T), located in coding exon 2 of the ANKRD1 gene, results from a C to T substitution at nucleotide position 154. The proline at codon 52 is replaced by serine, an amino acid with similar properties. This amino acid position is poorly conserved in available vertebrate species. In addition, this alteration is predicted to be tolerated by in silico analysis. Since supporting evidence is limited at this time, the clinical significance of this alteration remains unclear.

Laboratory for Molecular Medicine, Mass General Brigham Personalized Medicine
Classification: Likely benign. Last evaluated: 2013-02-22. Review status: criteria provided, single submitter. Criteria: LMM Criteria. Collection method: clinical testing. Allele origin: germline. Observed: 2 variant alleles.
Comment: p.Pro52Ser in exon 2 of ANKRD1: This variant is not expected to have clinical si gnificance due to lack of evolutionary conservation. Specifically, 10 mammals ha ve a serine at this position despite nearby amino acid conservation.

Literature cited by the submitters: PubMed 19608031 (cited by Laboratory for Molecular Medicine, Mass General Brigham Personalized Medicine).